The following is an entry in ClinVar:

ClinVar aggregate classification (germline): Likely pathogenic. Review status: criteria provided, multiple submitters, no conflicts (2 of 4 stars). 3 submissions from 3 submitters: Likely pathogenic (3). Last evaluated 2025-09-23.

Conditions:
Hereditary cancer-predisposing syndrome. Also called: Tumor predisposition; Hereditary Cancer Syndrome; Hereditary neoplastic syndrome; Neoplastic Syndromes, Hereditary. Identifiers: Orphanet 140162, MedGen C0027672, MeSH D009386, MONDO:0015356.
Ataxia-telangiectasia syndrome (AT). Also called: Ataxia-telangiectasia, complementation group D; AT, COMPLEMENTATION GROUP C; ATAXIA-TELANGIECTASIA, COMPLEMENTATION GROUP A; ATAXIA-TELANGIECTASIA, FRESNO VARIANT; Ataxia-telangiectasia, complementation group E; LOUIS-BAR SYNDROME. Identifiers: Orphanet 100, MedGen C0004135, MONDO:0008840, OMIM 208900.

Submissions (3):

Athena Diagnostics
Classification: Likely pathogenic. Last evaluated: 2025-09-23. Review status: criteria provided, single submitter. Criteria: Athena Diagnostics Criteria. Collection method: clinical testing. Allele origin: unknown.
Comment: This variant has not been reported in large, multi-ethnic general populations. This variant results in the same amino acid change as another variant considered to be pathogenic or likely pathogenic, strongly indicating this variant may also cause disease. This variant has been identified in at least one individual with clinical features associated with this gene. Polyphen and MutationTaster predict this amino acid change may be damaging to the protein. Computational tools yielded predictions that this variant may interfere with normal RNA splicing.

Labcorp Genetics (formerly Invitae), Labcorp
Classification: Likely pathogenic for Ataxia-telangiectasia syndrome. Last evaluated: 2024-04-22. Review status: criteria provided, single submitter. Criteria: Invitae Variant Classification Sherloc (09022015). Collection method: clinical testing. Allele origin: germline.
Comment: This sequence change replaces arginine, which is basic and polar, with serine, which is neutral and polar, at codon 2642 of the ATM protein (p.Arg2642Ser). RNA analysis indicates that this missense change induces altered splicing and may result in an absent or disrupted protein product. This variant is not present in population databases (gnomAD no frequency). This variant has not been reported in the literature in individuals affected with ATM-related conditions. ClinVar contains an entry for this variant (Variation ID: 1929577). An algorithm developed to predict the effect of missense changes on protein structure and function (PolyPhen-2) suggests that this variant is likely to be tolerated. Studies have shown that this missense change results in skipping of exon 53 and introduces a premature termination codon (Invitae). The resulting mRNA is expected to undergo nonsense-mediated decay. In summary, the currently available evidence indicates that the variant is pathogenic, but additional data are needed to prove that conclusively. Therefore, this variant has been classified as Likely Pathogenic.

Ambry Genetics
Classification: Likely pathogenic for Hereditary cancer-predisposing syndrome. Last evaluated: 2023-06-05. Review status: criteria provided, single submitter. Criteria: Ambry Variant Classification Scheme 2023. Collection method: clinical testing. Allele origin: germline.
Comment: The p.R2642S variant (also known as c.7926A>T), located in coding exon 52 of the ATM gene, results from an A to T substitution at nucleotide position 7926. The arginine at codon 2642 is replaced by serine, an amino acid with dissimilar properties. This nucleotide position is well conserved in available vertebrate species. In silico splice site analysis predicts that this alteration may weaken the native splice donor site. RNA studies have demonstrated that this alteration results in abnormal splicing in the set of samples tested (Ambry internal data). Based on the majority of available evidence to date, this variant is likely to be pathogenic.

NM_000051.4(ATM):c.7926A>T (p.Arg2642Ser)

Genes: ATM (ATM serine/threonine kinase; plus strand), C11orf65 (chromosome 11 open reading frame 65; minus strand). Cytogenetic location: 11q22.3.
Variant type: single nucleotide variant.
Coding change: c.7926A>T on transcript NM_000051.4 (MANE Select); coding-DNA position 7926, A replaced by T.
Protein change: p.Arg2642Ser; replaces arginine 2642 with serine.
Molecular consequence: missense variant. On other transcripts: intron variant (2).
Genome position (GRCh38, 1-based): chr11:108,332,899, A>T. VCF-style: chr11-108332899-A-T. GRCh37 (hg19) VCF-style: chr11-108203626-A-T.
Other names: c.*38+2321T>A (NM_001351110.2); c.7926A>T, p.Arg2642Ser (NM_001351834.2); c.641-23828T>A (NM_001330368.2); short protein forms R2642S.
Identifiers: ClinVar variation 1929577 (VCV001929577.9), dbSNP rs863224440, ClinGen allele CA382561528.
Genomic context (GRCh38, chr11:108,332,899, plus strand): 5'-ACTTTGTGATGCTTATATTATATTAGCAAACTTAGATGCCACTCAGTGGAAGACTCAGAG[A>T]AGTATGTTTTTTTTAAAGAAGAAACGTTACTTTCTTGCTGTGTTACTCTCTGTAGAGATA-3'
Protein context (NP_000042.3, residues 2632-2652): NLDATQWKTQ[Arg2642Ser]KGINIPADQP